The following is an entry in ClinVar:

NM_001330360.2(POLA1):c.3297C>T (p.Asn1099=)

Gene: POLA1 (DNA polymerase alpha 1, catalytic subunit; plus strand). Cytogenetic location: Xp22.11.
Variant type: single nucleotide variant.
Coding change: c.3297C>T on transcript NM_001330360.2 (MANE Select); coding-DNA position 3297, C replaced by T.
Protein change: p.Asn1099=; no amino-acid change (asparagine 1099 retained).
Molecular consequence: synonymous variant. On other transcripts: non-coding transcript variant (2).
Genome position (GRCh38, 1-based): chrX:24,814,979, C>T. VCF-style: chrX-24814979-C-T. GRCh37 (hg19) VCF-style: chrX-24833096-C-T.
Other names: c.3222C>T, p.Asn1074= (NM_001378303.1); c.3279C>T, p.Asn1093= (NM_016937.4).
Identifiers: ClinVar variation 3907430 (VCV003907430.1).

ClinVar aggregate classification (germline): Benign (1 of 4 stars; one submission).

Submission:

Women's Health and Genetics/Laboratory Corporation of America, LabCorp
Classification: Benign. Last evaluated: 2025-06-03. Review status: criteria provided, single submitter. Criteria: LabCorp Variant Classification Summary - May 2015. Collection method: clinical testing. Allele origin: germline.
Comment: Variant summary: POLA1 c.3279C>T (p.Asn1093Asn) alters a nucleotide located close to a canonical splice site and therefore could affect mRNA splicing, leading to a significantly altered protein sequence. Consensus agreement among computation tools predict no significant impact on normal splicing. However, these predictions have yet to be confirmed by functional studies. The variant allele was found at a frequency of 0.004 in 109519 control chromosomes, predominantly at a frequency of 0.0089 within the East Asian subpopulation in the gnomAD database. The observed variant frequency within East Asian control individuals in the gnomAD database is approximately 7.96 fold of the estimated maximal expected allele frequency for a pathogenic variant in POLA1 causing X-linked reticulate pigmentary disorder phenotype (0.0011). To our knowledge, no occurrence of c.3279C>T in individuals affected with X-linked reticulate pigmentary disorder and no experimental evidence demonstrating its impact on protein function have been reported. No submitters have cited clinical-significance assessments for this variant to ClinVar. Based on the evidence outlined above, the variant was classified as benign.